The following is an entry in ClinVar:

NM_000071.3(CBS):c.828+262A>T

Gene: CBS (cystathionine beta-synthase; minus strand). Cytogenetic location: 21q22.3.
Variant type: single nucleotide variant.
Coding change: c.828+262A>T on transcript NM_000071.3 (MANE Select); 262 bases into the intron after coding-DNA position 828, A replaced by T.
Molecular consequence: intron variant.
Genome position (GRCh38, 1-based): chr21:43,063,638, T>A on the plus strand (A>T on the coding strand, the complement: CBS is on the minus strand). VCF-style: chr21-43063638-T-A. GRCh37 (hg19) VCF-style: chr21-44483748-T-A.
Other names: c.828+262A>T (NM_001320298.2, NM_001178009.3, NM_001178008.3); c.513+262A>T (NM_001321072.1).
Identifiers: ClinVar variation 683302 (VCV000683302.1), dbSNP rs61123777, ClinGen allele CA321093802.

ClinVar aggregate classification (germline): Benign (1 of 4 stars; one submission).

Allele frequency attached by ClinVar (database versions not stated): 1000 Genomes Project 0.12081; 1000 Genomes Project 30x 0.16708; gnomAD 0.17834.

Submission:

GeneDx
Classification: Benign. Last evaluated: 2018-06-14. Review status: criteria provided, single submitter. Criteria: GeneDx Variant Classification (06012015). Collection method: clinical testing. Allele origin: germline. Affected: yes.
Comment: This variant is considered likely benign or benign based on one or more of the following criteria: it is a conservative change, it occurs at a poorly conserved position in the protein, it is predicted to be benign by multiple in silico algorithms, and/or has population frequency not consistent with disease.